The following is an entry in ClinVar:

ClinVar aggregate classification (germline): Likely pathogenic (1 of 4 stars; one submission).

Submission:

Labcorp Genetics (formerly Invitae), Labcorp
Classification: Likely pathogenic. Last evaluated: 2023-03-14. Review status: criteria provided, single submitter. Criteria: Invitae Variant Classification Sherloc (09022015). Collection method: clinical testing. Allele origin: germline.
Comment: This variant results in the deletion of part of exon 4 (c.296_296+1del) of the CYP19A1 gene. It is expected to disrupt RNA splicing. Variants that disrupt the donor or acceptor splice site typically lead to a loss of protein function (PMID: 16199547), and loss-of-function variants in CYP19A1 are known to be pathogenic (PMID: 14602738, 27086564, 27256151). This variant is not present in population databases (gnomAD no frequency). This variant has not been reported in the literature in individuals affected with CYP19A1-related conditions. ClinVar contains an entry for this variant (Variation ID: 2012083). Algorithms developed to predict the effect of sequence changes on RNA splicing suggest that this variant may disrupt the consensus splice site. In summary, the currently available evidence indicates that the variant is pathogenic, but additional data are needed to prove that conclusively. Therefore, this variant has been classified as Likely Pathogenic.

Literature cited by the submitters: PubMed 16199547; PubMed 14602738; PubMed 27086564; PubMed 27256151.

NM_000103.4(CYP19A1):c.296_296+1del

Genes: CYP19A1 (cytochrome P450 family 19 subfamily A member 1; minus strand), MIR4713HG (MIR4713 host gene; plus strand), PIRC66 (piwi-interacting RNA cluster 66; plus strand). Cytogenetic location: 15q21.2.
Variant type: Deletion.
Coding change: c.296_296+1del on transcript NM_000103.4 (MANE Select); coding-DNA position 296 through the canonical splice donor site of the intron after coding-DNA position 296, 2 bases deleted (AG; older notation c.296_296+1delAG).
Molecular consequence: splice donor variant.
Genome position (GRCh38, 1-based): chr15:51,236,858-51,236,859, CT deleted on the plus strand (AG on the coding strand, the reverse complement: CYP19A1 is on the minus strand). VCF-style (leftmost placement, unchanged base first): chr15-51236857-ACT-A. GRCh37 (hg19) VCF-style: chr15-51529054-ACT-A.
Other names: c.296_296+1del (NM_031226.3, NM_001347248.1, NM_001347249.2 and 7 more transcripts).
Identifiers: ClinVar variation 2012083 (VCV002012083.4), dbSNP rs2542465662, ClinGen allele CA2580089733.